The following is an entry in ClinVar:

NM_001110556.2(FLNA):c.5534_5554del (p.Arg1845_Ile1851del)

Gene: FLNA (filamin A; minus strand). Cytogenetic location: Xq28.
Variant type: Deletion.
Coding change: c.5534_5554del on transcript NM_001110556.2 (MANE Select); coding-DNA positions 5534 to 5554, 21 bases deleted (GCTATGACAACATGCACATCC).
Protein change: p.Arg1845_Ile1851del.
Molecular consequence: inframe deletion.
Genome position (GRCh38, 1-based): chrX:154,354,154-154,354,174, GGATGTGCATGTTGTCATAGC deleted on the plus strand (GCTATGACAACATGCACATCC on the coding strand, the reverse complement: FLNA is on the minus strand); deleting any 21 consecutive bases within chrX:154,354,154-154,354,180 gives the same sequence; the c. name uses the placement nearest the transcript's 3' end. VCF-style (leftmost placement, unchanged base first): chrX-154354153-GGGATGTGCATGTTGTCATAGC-G. GRCh37 (hg19) VCF-style: chrX-153582521-GGGATGTGCATGTTGTCATAGC-G.
Other names: c.5510_5530del, p.Arg1837_Ile1843del (NM_001456.4).
Identifiers: ClinVar variation 1471529 (VCV001471529.8), dbSNP rs2148106442, ClinGen allele CA2573159431.

ClinVar aggregate classification (germline): Uncertain significance (1 of 4 stars; one submission).

Conditions:
Oto-palato-digital syndrome, type II (OPD2). Also called: FACIOPALATOOSSEOUS SYNDROME; OPD II SYNDROME; Otopalatodigital Syndrome, Type II; Otopalatodigital Syndrome Type 2 (FLNA-OPD2). Identifiers: Orphanet 669, Orphanet 90652, MedGen C1844696, MONDO:0010571, OMIM 304120.
Heterotopia, periventricular, X-linked dominant (PVNH1). Also called: PERIVENTRICULAR NODULAR HETEROTOPIA 4; HETEROTOPIA, PERIVENTRICULAR, 1; PERIVENTRICULAR NODULAR HETEROTOPIA 1; X-linked periventricular heterotopia. Identifiers: Orphanet 2149, Orphanet 82004, MedGen C1848213, MONDO:0010233, OMIM 300049.
Melnick-Needles syndrome (MNS). Also called: MELNICK-NEEDLES OSTEODYSPLASTY; OSTEODYSPLASTY OF MELNICK AND NEEDLES; Melnick-Needles Syndrome (FLNA-MNS). Identifiers: Orphanet 2484, MedGen C0025237, MONDO:0010650, OMIM 309350.
Frontometaphyseal dysplasia (FMD1). Identifiers: Orphanet 1826, MedGen C0265293, MONDO:0015942.

Submission:

Labcorp Genetics (formerly Invitae), Labcorp
Classification: Uncertain significance for Oto-palato-digital syndrome, type II; Heterotopia, periventricular, X-linked dominant; Frontometaphyseal dysplasia; Melnick-Needles syndrome. Last evaluated: 2025-08-11. Review status: criteria provided, single submitter. Criteria: Invitae Variant Classification Sherloc (09022015). Collection method: clinical testing. Allele origin: germline.
Comment: This variant, c.5510_5530del, results in the deletion of 7 amino acid(s) of the FLNA protein (p.Arg1837_Ile1843del), but otherwise preserves the integrity of the reading frame. This variant is not present in population databases (gnomAD no frequency). This variant has not been reported in the literature in individuals affected with FLNA-related conditions. ClinVar contains an entry for this variant (Variation ID: 1471529). This variant disrupts a region of the FLNA protein in which other variant(s) (p.Tyr1838Cys) have been observed in individuals with FLNA-related conditions (internal data). This suggests that this is a clinically significant region of the protein, and that variants that disrupt it are likely to be disease-causing. In summary, the available evidence is currently insufficient to determine the role of this variant in disease. Therefore, it has been classified as a Variant of Uncertain Significance.